The following is an entry in ClinVar:

ClinVar aggregate classification (germline): Uncertain significance. Review status: criteria provided, multiple submitters, no conflicts (2 of 4 stars). 2 submissions from 2 submitters: Uncertain significance (2). Last evaluated 2025-03-13.

Conditions:
Hereditary cancer-predisposing syndrome. Also called: Tumor predisposition; Hereditary neoplastic syndrome; Neoplastic Syndromes, Hereditary; Hereditary Cancer Syndrome. Identifiers: Orphanet 140162, MedGen C0027672, MeSH D009386, MONDO:0015356.

Allele frequency attached by ClinVar (database versions not stated): gnomAD exomes below 0.00001; ExAC 0.00001.
gnomAD v4.1: 3 of 1,609,936 alleles (0.00019%); highest among the groups gnomAD compares: South Asian, 0.0011%; no homozygotes.

Submissions (2):

Ambry Genetics
Classification: Uncertain significance for Hereditary cancer-predisposing syndrome. Last evaluated: 2025-03-13. Review status: criteria provided, single submitter. Criteria: Ambry Variant Classification Scheme 2023. Collection method: clinical testing. Allele origin: germline.
Comment: The p.D962G variant (also known as c.2885A>G), located in coding exon 25 of the POLE gene, results from an A to G substitution at nucleotide position 2885. The aspartic acid at codon 962 is replaced by glycine, an amino acid with similar properties. This amino acid position is conserved. In addition, the in silico prediction for this alteration is inconclusive. Based on the available evidence, the clinical significance of this variant remains unclear.

Labcorp Genetics (formerly Invitae), Labcorp
Classification: Uncertain significance. Last evaluated: 2024-10-15. Review status: criteria provided, single submitter. Criteria: Invitae Variant Classification Sherloc (09022015). Collection method: clinical testing. Allele origin: germline.
Comment: This sequence change replaces aspartic acid, which is acidic and polar, with glycine, which is neutral and non-polar, at codon 962 of the POLE protein (p.Asp962Gly). This variant is present in population databases (rs781702191, gnomAD 0.003%). This variant has not been reported in the literature in individuals affected with POLE-related conditions. ClinVar contains an entry for this variant (Variation ID: 958376). Invitae Evidence Modeling of protein sequence and biophysical properties (such as structural, functional, and spatial information, amino acid conservation, physicochemical variation, residue mobility, and thermodynamic stability) indicates that this missense variant is expected to disrupt POLE protein function with a positive predictive value of 80%. In summary, the available evidence is currently insufficient to determine the role of this variant in disease. Therefore, it has been classified as a Variant of Uncertain Significance.

NM_006231.4(POLE):c.2885A>G (p.Asp962Gly)

Gene: POLE (DNA polymerase epsilon, catalytic subunit; minus strand). Cytogenetic location: 12q24.33.
Variant type: single nucleotide variant.
Coding change: c.2885A>G on transcript NM_006231.4 (MANE Select); coding-DNA position 2885, A replaced by G.
Protein change: p.Asp962Gly; replaces aspartic acid 962 with glycine.
Molecular consequence: missense variant.
Genome position (GRCh38, 1-based): chr12:132,661,144, T>C on the plus strand (A>G on the coding strand, the complement: POLE is on the minus strand). VCF-style: chr12-132661144-T-C. GRCh37 (hg19) VCF-style: chr12-133237730-T-C.
Other names: short protein forms D962G.
Identifiers: ClinVar variation 958376 (VCV000958376.13), dbSNP rs781702191, ClinGen allele CA6893410.